The following is an entry in ClinVar:

NM_033305.3(VPS13A):c.4265A>G (p.Asp1422Gly)

Gene: VPS13A (vacuolar protein sorting 13 homolog A; plus strand). Cytogenetic location: 9q21.2.
Variant type: single nucleotide variant.
Coding change: c.4265A>G on transcript NM_033305.3 (MANE Select); coding-DNA position 4265, A replaced by G.
Protein change: p.Asp1422Gly; replaces aspartic acid 1422 with glycine.
Molecular consequence: missense variant.
Genome position (GRCh38, 1-based): chr9:77,314,517, A>G. VCF-style: chr9-77314517-A-G. GRCh37 (hg19) VCF-style: chr9-79929433-A-G.
Other names: c.4148A>G, p.Asp1383Gly (NM_001018037.2); c.4265A>G, p.Asp1422Gly (NM_001018038.3, NM_015186.4); short protein forms D1422G, D1383G.
Identifiers: ClinVar variation 2171529 (VCV002171529.1), dbSNP rs1056828006, ClinGen allele CA194398855.
Genomic context (GRCh38, chr9:77,314,517, plus strand): 5'-GTTTCTTTGTAATTTTGTGTTGGTTTCTCCTTTCATAGGCTTCCTTTACAGATGTTCGTG[A>G]TCCTTCTCTGAAACTTGCTGAATTTAAATTGGAGAATATTATAAGTACTTTAAAAATGTA-3'
Protein context (NP_150648.2, residues 1412-1432): PKQASFTDVR[Asp1422Gly]PSLKLAEFKL

ClinVar aggregate classification (germline): Uncertain significance (1 of 4 stars; one submission).

Allele frequency attached by ClinVar (database versions not stated): gnomAD exomes below 0.00001; TOPMed below 0.00001; gnomAD 0.00001.
gnomAD v4.1: 3 of 1,612,270 alleles (0.00019%); highest among the groups gnomAD compares: African/African-American, 0.0027%; no homozygotes.

Submission:

Labcorp Genetics (formerly Invitae), Labcorp
Classification: Uncertain significance. Last evaluated: 2022-06-22. Review status: criteria provided, single submitter. Criteria: Invitae Variant Classification Sherloc (09022015). Collection method: clinical testing. Allele origin: germline.
Comment: This sequence change replaces aspartic acid, which is acidic and polar, with glycine, which is neutral and non-polar, at codon 1422 of the VPS13A protein (p.Asp1422Gly). The frequency data for this variant in the population databases is considered unreliable, as metrics indicate poor data quality at this position in the gnomAD database. This variant has not been reported in the literature in individuals affected with VPS13A-related conditions. Algorithms developed to predict the effect of missense changes on protein structure and function are either unavailable or do not agree on the potential impact of this missense change (SIFT: "Tolerated"; PolyPhen-2: "Probably Damaging"; Align-GVGD: "Class C0"). In summary, the available evidence is currently insufficient to determine the role of this variant in disease. Therefore, it has been classified as a Variant of Uncertain Significance.